The following is an entry in ClinVar:

ClinVar aggregate classification (germline): Uncertain significance (1 of 4 stars; one submission).

gnomAD v4.1: 2 of 1,573,266 alleles (0.00013%); highest among the groups gnomAD compares: Non-Finnish European, 0.00017%; no homozygotes.

Submission:

Ambry Genetics
Classification: Uncertain significance. Last evaluated: 2024-12-14. Review status: criteria provided, single submitter. Criteria: Ambry Variant Classification Scheme 2023. Collection method: clinical testing. Allele origin: germline.
Comment: The p.R1176H variant (also known as c.3527G>A), located in coding exon 14 of the WNK2 gene, results from a G to A substitution at nucleotide position 3527. The arginine at codon 1176 is replaced by histidine, an amino acid with highly similar properties. This amino acid position is conserved. In addition, the in silico prediction for this alteration is inconclusive. Based on the available evidence, the clinical significance of this variant remains unclear.

NM_006648.4(WNK2):c.3527G>A (p.Arg1176His)

Gene: WNK2 (WNK lysine deficient protein kinase 2; plus strand). Cytogenetic location: 9q22.31.
Variant type: single nucleotide variant.
Coding change: c.3527G>A on transcript NM_006648.4 (MANE Select); coding-DNA position 3527, G replaced by A.
Protein change: p.Arg1176His; replaces arginine 1176 with histidine.
Molecular consequence: missense variant.
Genome position (GRCh38, 1-based): chr9:93,263,682, G>A. VCF-style: chr9-93263682-G-A. GRCh37 (hg19) VCF-style: chr9-96025964-G-A.
Other names: c.3527G>A, p.Arg1176His (NM_001282394.3); short protein forms R1176H.
Identifiers: ClinVar variation 3816473 (VCV003816473.1).